The following is an entry in ClinVar:

NM_005932.4(MIPEP):c.1700T>G (p.Val567Gly)

Gene: MIPEP (mitochondrial intermediate peptidase; minus strand). Cytogenetic location: 13q12.12.
Variant type: single nucleotide variant.
Coding change: c.1700T>G on transcript NM_005932.4 (MANE Select); coding-DNA position 1700, T replaced by G.
Protein change: p.Val567Gly; replaces valine 567 with glycine.
Molecular consequence: missense variant.
Genome position (GRCh38, 1-based): chr13:23,809,878, A>C on the plus strand (T>G on the coding strand, the complement: MIPEP is on the minus strand). VCF-style: chr13-23809878-A-C. GRCh37 (hg19) VCF-style: chr13-24384017-A-C.
Other names: short protein forms V567G.
Identifiers: ClinVar variation 1442689 (VCV001442689.6), dbSNP rs1311987221, ClinGen allele CA387679716.

ClinVar aggregate classification (germline): Uncertain significance (1 of 4 stars; one submission).

Allele frequency attached by ClinVar (database versions not stated): gnomAD exomes below 0.00001; gnomAD 0.00001.
gnomAD v4.1: 1 of 1,613,572 alleles (0.000062%); highest among the groups gnomAD compares: Admixed American, 0.0017%; no homozygotes.

Submission:

Labcorp Genetics (formerly Invitae), Labcorp
Classification: Uncertain significance. Last evaluated: 2024-12-02. Review status: criteria provided, single submitter. Criteria: Invitae Variant Classification Sherloc (09022015). Collection method: clinical testing. Allele origin: germline.
Comment: This sequence change replaces valine, which is neutral and non-polar, with glycine, which is neutral and non-polar, at codon 567 of the MIPEP protein (p.Val567Gly). This variant is present in population databases (no rsID available, gnomAD 0.003%). This variant has not been reported in the literature in individuals affected with MIPEP-related conditions. ClinVar contains an entry for this variant (Variation ID: 1442689). Invitae Evidence Modeling of protein sequence and biophysical properties (such as structural, functional, and spatial information, amino acid conservation, physicochemical variation, residue mobility, and thermodynamic stability) indicates that this missense variant is not expected to disrupt MIPEP protein function with a negative predictive value of 80%. In summary, the available evidence is currently insufficient to determine the role of this variant in disease. Therefore, it has been classified as a Variant of Uncertain Significance.